The following is an entry in ClinVar:

NM_004168.4(SDHA):c.425T>A (p.Met142Lys)

Gene: SDHA (succinate dehydrogenase complex flavoprotein subunit A; plus strand). Cytogenetic location: 5p15.33.
Variant type: single nucleotide variant.
Coding change: c.425T>A on transcript NM_004168.4 (MANE Select); coding-DNA position 425, T replaced by A.
Protein change: p.Met142Lys; replaces methionine 142 with lysine.
Molecular consequence: missense variant. On other transcripts: intron variant (1).
Genome position (GRCh38, 1-based): chr5:225,531, T>A. VCF-style: chr5-225531-T-A. GRCh37 (hg19) VCF-style: chr5-225646-T-A.
Other names: c.425T>A, p.Met142Lys (NM_001330758.2); c.313-352T>A (NM_001294332.2); short protein forms M142K.
Identifiers: ClinVar variation 1739164 (VCV001739164.3), dbSNP rs2477295518, ClinGen allele CA359009602.

ClinVar aggregate classification (germline): Uncertain significance (1 of 4 stars; one submission).

Conditions:
Hereditary cancer-predisposing syndrome. Also called: Neoplastic Syndromes, Hereditary; Tumor predisposition; Hereditary Cancer Syndrome; Hereditary neoplastic syndrome. Identifiers: Orphanet 140162, MedGen C0027672, MeSH D009386, MONDO:0015356.

Submission:

Ambry Genetics
Classification: Uncertain significance for Hereditary cancer-predisposing syndrome. Last evaluated: 2026-06-03. Review status: criteria provided, single submitter. Criteria: Ambry Variant Classification Scheme 2023. Collection method: clinical testing. Allele origin: germline.
Comment: The p.M142K variant (also known as c.425T>A), located in coding exon 4 of the SDHA gene, results from a T to A substitution at nucleotide position 425. The methionine at codon 142 is replaced by lysine, an amino acid with similar properties. This amino acid position is highly conserved in available vertebrate species. In addition, this alteration is predicted to be deleterious by in silico analysis. Based on the available evidence, the clinical significance of this variant remains unclear.